The following is an entry in ClinVar:

NM_004380.3(CREBBP):c.749T>C (p.Met250Thr)

Gene: CREBBP (CREB binding lysine acetyltransferase; minus strand). Cytogenetic location: 16p13.3.
Variant type: single nucleotide variant.
Coding change: c.749T>C on transcript NM_004380.3 (MANE Select); coding-DNA position 749, T replaced by C.
Protein change: p.Met250Thr; replaces methionine 250 with threonine.
Molecular consequence: missense variant.
Genome position (GRCh38, 1-based): chr16:3,850,346, A>G on the plus strand (T>C on the coding strand, the complement: CREBBP is on the minus strand). VCF-style: chr16-3850346-A-G. GRCh37 (hg19) VCF-style: chr16-3900347-A-G.
Other names: c.749T>C, p.Met250Thr (NM_001079846.1); short protein forms M250T.
Identifiers: ClinVar variation 2718105 (VCV002718105.3), dbSNP rs2548543953, ClinGen allele CA394559274.

ClinVar aggregate classification (germline): Uncertain significance (1 of 4 stars; one submission).

Conditions:
Rubinstein-Taybi syndrome (RSTS). Identifiers: Orphanet 783, MedGen C0035934, MONDO:0019188.

Allele frequency attached by ClinVar (database versions not stated): gnomAD exomes below 0.00001.
gnomAD v4.1: 2 of 1,614,206 alleles (0.00012%); highest among the groups gnomAD compares: Middle Eastern, 0.016%; no homozygotes.

Submission:

Labcorp Genetics (formerly Invitae), Labcorp
Classification: Uncertain significance for Rubinstein-Taybi syndrome. Last evaluated: 2023-07-25. Review status: criteria provided, single submitter. Criteria: Invitae Variant Classification Sherloc (09022015). Collection method: clinical testing. Allele origin: germline.
Comment: In summary, the available evidence is currently insufficient to determine the role of this variant in disease. Therefore, it has been classified as a Variant of Uncertain Significance. Advanced modeling of protein sequence and biophysical properties (such as structural, functional, and spatial information, amino acid conservation, physicochemical variation, residue mobility, and thermodynamic stability) performed at Invitae indicates that this missense variant is not expected to disrupt CREBBP protein function. This variant has not been reported in the literature in individuals affected with CREBBP-related conditions. This variant is not present in population databases (gnomAD no frequency). This sequence change replaces methionine, which is neutral and non-polar, with threonine, which is neutral and polar, at codon 250 of the CREBBP protein (p.Met250Thr).